The following is an entry in ClinVar:

NM_001101362.3(KBTBD13):c.1322T>A (p.Leu441Gln)

Gene: KBTBD13 (kelch repeat and BTB domain containing 13; plus strand). Cytogenetic location: 15q22.31.
Variant type: single nucleotide variant.
Coding change: c.1322T>A on transcript NM_001101362.3 (MANE Select); coding-DNA position 1322, T replaced by A.
Protein change: p.Leu441Gln; replaces leucine 441 with glutamine.
Molecular consequence: missense variant.
Genome position (GRCh38, 1-based): chr15:65,078,137, T>A. VCF-style: chr15-65078137-T-A. GRCh37 (hg19) VCF-style: chr15-65370475-T-A.
Other names: short protein forms L441Q.
Identifiers: ClinVar variation 2413527 (VCV002413527.6), dbSNP rs1005611902, ClinGen allele CA271504976.

ClinVar aggregate classification (germline): Uncertain significance (1 of 4 stars; one submission).

Conditions:
Nemaline myopathy 6 (NEM6). Also called: Nemaline myopathy 6, autosomal dominant. Identifiers: Orphanet 171439, MedGen C1836472, MONDO:0012237, OMIM 609273.

Allele frequency attached by ClinVar (database versions not stated): gnomAD 0.00001.

Submission:

Labcorp Genetics (formerly Invitae), Labcorp
Classification: Uncertain significance for Nemaline myopathy 6. Last evaluated: 2025-12-02. Review status: criteria provided, single submitter. Criteria: Invitae Variant Classification Sherloc (09022015). Collection method: clinical testing. Allele origin: germline.
Comment: This sequence change replaces leucine, which is neutral and non-polar, with glutamine, which is neutral and polar, at codon 441 of the KBTBD13 protein (p.Leu441Gln). This variant is present in population databases (no rsID available, gnomAD 0.01%). This missense change has been observed in individual(s) with amyotrophic lateral sclerosis (PMID: 31475037). ClinVar contains an entry for this variant (Variation ID: 2413527). An algorithm developed to predict the effect of missense changes on protein structure and function (PolyPhen-2) suggests that this variant is likely to be disruptive. In summary, the available evidence is currently insufficient to determine the role of this variant in disease. Therefore, it has been classified as a Variant of Uncertain Significance.

Literature cited by the submitters: PubMed 31475037.